The following is an entry in ClinVar:

ClinVar aggregate classification (germline): Uncertain significance (1 of 4 stars; one submission).

Conditions:
Pyruvate kinase deficiency of red cells (CNSHA2). Also called: PK DEFICIENCY; PYRUVATE KINASE DEFICIENCY OF ERYTHROCYTE; Pyruvate kinase deficiency, Amish type. Identifiers: Orphanet 766, MedGen C0340968, MONDO:0009950, OMIM 266200.

Submission:

3billion
Classification: Uncertain significance for Pyruvate kinase deficiency of red cells. Last evaluated: 2022-09-01. Review status: criteria provided, single submitter. Criteria: ACMG Guidelines, 2015. Collection method: clinical testing. Allele origin: germline. Affected: yes. Observed: 1 homozygote.
Comment: The variant is not observed in the gnomAD v2.1.1 dataset. Missense changes are a common disease-causing mechanism. In silico tool predictions suggest damaging effect of the variant on gene or gene product (REVEL: 0.81; 3Cnet: 0.18). Therefore, this variant is classified as uncertain significance according to the recommendation of ACMG/AMP guideline.

NM_000298.6(PKLR):c.451G>A (p.Val151Met)

Gene: PKLR (pyruvate kinase L/R; minus strand). Cytogenetic location: 1q22.
Variant type: single nucleotide variant.
Coding change: c.451G>A on transcript NM_000298.6 (MANE Select); coding-DNA position 451, G replaced by A.
Protein change: p.Val151Met; replaces valine 151 with methionine.
Molecular consequence: missense variant.
Genome position (GRCh38, 1-based): chr1:155,295,493, C>T on the plus strand (G>A on the coding strand, the complement: PKLR is on the minus strand). VCF-style: chr1-155295493-C-T. GRCh37 (hg19) VCF-style: chr1-155265284-C-T.
Other names: c.358G>A, p.Val120Met (NM_181871.4); short protein forms V120M, V151M.
Identifiers: ClinVar variation 1705435 (VCV001705435.1), dbSNP rs1393285415, ClinGen allele CA342755592.